The following is an entry in ClinVar:

ClinVar aggregate classification (germline): Uncertain significance. Review status: criteria provided, multiple submitters, no conflicts (2 of 4 stars). 2 submissions from 2 submitters: Uncertain significance (2). Last evaluated 2025-07-22.

Conditions:
Gastrointestinal stromal tumor. Also called: Gastrointestinal stroma tumor; Gastrointestinal stromal tumor, somatic. Identifiers: Orphanet 44890, MedGen C0238198, MeSH D046152, MONDO:0011719, OMIM 606764, HP:0100723.
Hereditary cancer-predisposing syndrome. Also called: Tumor predisposition; Hereditary Cancer Syndrome; Hereditary neoplastic syndrome; Neoplastic Syndromes, Hereditary. Identifiers: Orphanet 140162, MedGen C0027672, MeSH D009386, MONDO:0015356.

Submissions (2):

Labcorp Genetics (formerly Invitae), Labcorp
Classification: Uncertain significance for Gastrointestinal stromal tumor. Last evaluated: 2025-07-22. Review status: criteria provided, single submitter. Criteria: Invitae Variant Classification Sherloc (09022015). Collection method: clinical testing. Allele origin: germline.
Comment: This sequence change replaces lysine, which is basic and polar, with glutamic acid, which is acidic and polar, at codon 196 of the PDGFRA protein (p.Lys196Glu). This variant is not present in population databases (gnomAD no frequency). This variant has not been reported in the literature in individuals affected with PDGFRA-related conditions. ClinVar contains an entry for this variant (Variation ID: 1423389). Invitae Evidence Modeling of protein sequence and biophysical properties (such as structural, functional, and spatial information, amino acid conservation, physicochemical variation, residue mobility, and thermodynamic stability) indicates that this missense variant is not expected to disrupt PDGFRA protein function with a negative predictive value of 80%. In summary, the available evidence is currently insufficient to determine the role of this variant in disease. Therefore, it has been classified as a Variant of Uncertain Significance.

Ambry Genetics
Classification: Uncertain significance for Hereditary cancer-predisposing syndrome. Last evaluated: 2023-09-05. Review status: criteria provided, single submitter. Criteria: Ambry Variant Classification Scheme 2023. Collection method: clinical testing. Allele origin: germline.
Comment: The p.K196E variant (also known as c.586A>G), located in coding exon 3 of the PDGFRA gene, results from an A to G substitution at nucleotide position 586. The lysine at codon 196 is replaced by glutamic acid, an amino acid with similar properties. This amino acid position is conserved. In addition, this alteration is predicted to be tolerated by in silico analysis. Since supporting evidence is limited at this time, the clinical significance of this alteration remains unclear.

NM_006206.6(PDGFRA):c.586A>G (p.Lys196Glu)

Gene: PDGFRA (platelet derived growth factor receptor alpha; plus strand). Cytogenetic location: 4q12.
Variant type: single nucleotide variant.
Coding change: c.586A>G on transcript NM_006206.6 (MANE Select); coding-DNA position 586, A replaced by G.
Protein change: p.Lys196Glu; replaces lysine 196 with glutamic acid.
Molecular consequence: missense variant.
Genome position (GRCh38, 1-based): chr4:54,263,885, A>G. VCF-style: chr4-54263885-A-G. GRCh37 (hg19) VCF-style: chr4-55130052-A-G.
Other names: c.586A>G, p.Lys196Glu (NM_001347827.2, NM_001347829.2); c.661A>G, p.Lys221Glu (NM_001347828.2); c.625A>G, p.Lys209Glu (NM_001347830.2); c.586A>G (NM_006206.4); short protein forms K209E, K221E, K196E.
Identifiers: ClinVar variation 1423389 (VCV001423389.10), dbSNP rs2110253532, ClinGen allele CA356890139.
Genomic context (GRCh38, chr4:54,263,885, plus strand): 5'-CAGGGCTTTAATGGGACCTTCACTGTAGGGCCCTATATCTGTGAGGCCACCGTCAAAGGA[A>G]AGAAGTTCCAGACCATCCCATTTAATGTTTATGCTTTAAAAGGTACTTGTATCATCTCCT-3'
Protein context (NP_006197.1, residues 186-206): PYICEATVKG[Lys196Glu]KFQTIPFNVY